The following is an entry in ClinVar:

NM_014585.6(SLC40A1):c.589A>T (p.Thr197Ser)

Gene: SLC40A1 (solute carrier family 40 member 1; minus strand). Cytogenetic location: 2q32.2.
Variant type: single nucleotide variant.
Coding change: c.589A>T on transcript NM_014585.6 (MANE Select); coding-DNA position 589, A replaced by T.
Protein change: p.Thr197Ser; replaces threonine 197 with serine.
Molecular consequence: missense variant.
Genome position (GRCh38, 1-based): chr2:189,565,525, T>A on the plus strand (A>T on the coding strand, the complement: SLC40A1 is on the minus strand). VCF-style: chr2-189565525-T-A. GRCh37 (hg19) VCF-style: chr2-190430251-T-A.
Other names: short protein forms T197S.
Identifiers: ClinVar variation 2630546 (VCV002630546.1), dbSNP rs2468769396, ClinGen allele CA349988863.

ClinVar aggregate classification (germline): Uncertain significance (1 of 4 stars; one submission).

Conditions:
SLC40A1-related disorder. Also called: SLC40A1-related condition.

Submission:

PreventionGenetics, part of Exact Sciences
Classification: Uncertain significance for SLC40A1-related condition. Last evaluated: 2023-01-26. Review status: criteria provided, single submitter. Criteria: ACMG Guidelines, 2015. Collection method: clinical testing. Allele origin: germline.
Comment: The SLC40A1 c.589A>T variant is predicted to result in the amino acid substitution p.Thr197Ser. To our knowledge, this variant has not been reported in the literature or in a large population database, indicating this variant is rare. At this time, the clinical significance of this variant is uncertain due to the absence of conclusive functional and genetic evidence.